The following is an entry in ClinVar:

ClinVar aggregate classification (germline): Likely benign. Review status: criteria provided, multiple submitters, no conflicts (2 of 4 stars). 2 submissions from 2 submitters: Likely benign (2). Last evaluated 2026-01-11.

Conditions:
Progressive sclerosing poliodystrophy (MTDPS4A). Also called: Alpers-Huttenlocher Syndrome (AHS); ALPERS PROGRESSIVE INFANTILE POLIODYSTROPHY; Mitochondrial DNA Depletion Syndrome 4A; Mitochondrial DNA depletion syndrome 4A (Alpers type); NEURONAL DEGENERATION OF CHILDHOOD WITH LIVER DISEASE, PROGRESSIVE; Alpers Syndrome. Identifiers: Orphanet 726, MedGen C0205710, MONDO:0008758, OMIM 203700.

Allele frequency attached by ClinVar (database versions not stated): gnomAD 0.00003; TOPMed 0.00004; ExAC 0.00008; gnomAD exomes 0.00009.

Submissions (2):

Labcorp Genetics (formerly Invitae), Labcorp
Classification: Likely benign for Progressive sclerosing poliodystrophy. Last evaluated: 2026-01-11. Review status: criteria provided, single submitter. Criteria: Invitae Variant Classification Sherloc (09022015). Collection method: clinical testing. Allele origin: germline.

GeneDx
Classification: Likely benign. Last evaluated: 2018-02-23. Review status: criteria provided, single submitter. Criteria: GeneDx Variant Classification (06012015). Collection method: clinical testing. Allele origin: germline. Affected: yes.
Comment: This variant is considered likely benign or benign based on one or more of the following criteria: it is a conservative change, it occurs at a poorly conserved position in the protein, it is predicted to be benign by multiple in silico algorithms, and/or has population frequency not consistent with disease.

NM_002693.3(POLG):c.1449C>T (p.Pro483=)

Gene: POLG (DNA polymerase gamma, catalytic subunit; minus strand). Cytogenetic location: 15q26.1.
Variant type: single nucleotide variant.
Coding change: c.1449C>T on transcript NM_002693.3 (MANE Select); coding-DNA position 1449, C replaced by T.
Protein change: p.Pro483=; no amino-acid change (proline 483 retained).
Molecular consequence: synonymous variant.
Genome position (GRCh38, 1-based): chr15:89,327,048, G>A on the plus strand (C>T on the coding strand, the complement: POLG is on the minus strand). VCF-style: chr15-89327048-G-A. GRCh37 (hg19) VCF-style: chr15-89870279-G-A.
Other names: c.1449C>T, p.Pro483= (NM_001126131.2).
Identifiers: ClinVar variation 516450 (VCV000516450.10), dbSNP rs762247209, ClinGen allele CA7724826.